The following is an entry in ClinVar:

NM_001278716.2(FBXL4):c.680G>T (p.Gly227Val)

Gene: FBXL4 (F-box and leucine rich repeat protein 4; minus strand). Cytogenetic location: 6q16.2.
Variant type: single nucleotide variant.
Coding change: c.680G>T on transcript NM_001278716.2 (MANE Select); coding-DNA position 680, G replaced by T.
Protein change: p.Gly227Val; replaces glycine 227 with valine.
Molecular consequence: missense variant.
Genome position (GRCh38, 1-based): chr6:98,917,552, C>A on the plus strand (G>T on the coding strand, the complement: FBXL4 is on the minus strand). VCF-style: chr6-98917552-C-A. GRCh37 (hg19) VCF-style: chr6-99365428-C-A.
Other names: c.680G>T, p.Gly227Val (NM_012160.5); short protein forms G227V.
Identifiers: ClinVar variation 2499917 (VCV002499917.2), dbSNP rs1351615506, ClinGen allele CA16021189.

ClinVar aggregate classification (germline): Uncertain significance (1 of 4 stars; one submission).

Allele frequency attached by ClinVar (database versions not stated): gnomAD exomes below 0.00001.
gnomAD v4.1: 2 of 1,614,006 alleles (0.00012%); highest among the groups gnomAD compares: Admixed American, 0.0017%; no homozygotes.

Submission:

GeneDx
Classification: Uncertain significance. Last evaluated: 2025-07-21. Review status: criteria provided, single submitter. Criteria: GeneDx Variant Classification Process June 2021. Collection method: clinical testing. Allele origin: germline.
Comment: Not observed at significant frequency in large population cohorts (gnomAD); In silico analysis supports that this missense variant has a deleterious effect on protein structure/function; Has not been previously published as pathogenic or benign to our knowledge